The following is an entry in ClinVar:

ClinVar aggregate classification (germline): Pathogenic. Review status: criteria provided, multiple submitters, no conflicts (2 of 4 stars). 2 submissions from 2 submitters: Pathogenic (2). Last evaluated 2026-07-22.

Conditions:
Familial cancer of breast. Also called: hereditary breast carcinoma; BREAST CANCER, FAMILIAL; Hereditary breast cancer. Identifiers: Orphanet 227535, MedGen C0346153, MONDO:0016419, OMIM 114480. Disease mechanism: loss of function.
Hereditary cancer-predisposing syndrome. Also called: Tumor predisposition; Hereditary Cancer Syndrome; Hereditary neoplastic syndrome; Neoplastic Syndromes, Hereditary. Identifiers: Orphanet 140162, MedGen C0027672, MeSH D009386, MONDO:0015356.

Submissions (2):

Ambry Genetics
Classification: Pathogenic for Hereditary cancer-predisposing syndrome. Last evaluated: 2026-07-22. Review status: criteria provided, single submitter. Criteria: Ambry Variant Classification Scheme 2023. Collection method: clinical testing. Allele origin: germline.
Comment: The c.7115delA pathogenic mutation, located in coding exon 48 of the ATM gene, results from a deletion of one nucleotide at nucleotide position 7115, causing a translational frameshift with a predicted alternate stop codon (p.D2372Vfs*8). This variant is considered to be rare based on population cohorts in the Genome Aggregation Database (gnomAD). This alteration is expected to result in loss of function by premature protein truncation or nonsense-mediated mRNA decay. As such, this alteration is interpreted as a disease-causing mutation.

Myriad Genetics, Inc.
Classification: Pathogenic for Familial cancer of breast. Last evaluated: 2024-01-30. Review status: criteria provided, single submitter. Criteria: Myriad Autosomal Dominant, Autosomal Recessive and X-Linked Classification Criteria (2023). Collection method: clinical testing. Allele origin: unknown.
Comment: This variant is considered pathogenic. This variant creates a frameshift predicted to result in premature protein truncation.

NM_000051.4(ATM):c.7115del (p.Asp2372fs)

Genes: ATM (ATM serine/threonine kinase; plus strand), C11orf65 (chromosome 11 open reading frame 65; minus strand). Cytogenetic location: 11q22.3.
Variant type: Deletion.
Coding change: c.7115del on transcript NM_000051.4 (MANE Select); coding-DNA position 7115, one base deleted (A; older notation c.7115delA).
Protein change: p.Asp2372fs; shifts the reading frame from aspartic acid 2372.
Molecular consequence: frameshift variant. On other transcripts: intron variant (2).
Genome position (GRCh38, 1-based): chr11:108,329,046, A deleted. VCF-style (leftmost placement, unchanged base first): chr11-108329045-GA-G. GRCh37 (hg19) VCF-style: chr11-108199772-GA-G.
Other names: c.7115del, p.Asp2372fs (NM_001351834.2); c.641-19975del (NM_001330368.2); c.*38+6174del (NM_001351110.2); short protein forms D2372fs.
Identifiers: ClinVar variation 3148367 (VCV003148367.2), dbSNP rs2547247046, ClinGen allele CA2825001945.